The following is an entry in ClinVar:

ClinVar aggregate classification (germline): Uncertain significance. Review status: criteria provided, multiple submitters, no conflicts (2 of 4 stars). 4 submissions from 4 submitters: Uncertain significance (4). Last evaluated 2026-05-28.

Conditions:
Autosomal dominant limb-girdle muscular dystrophy type 1G (LGMDD3). Also called: MUSCULAR DYSTROPHY, LIMB-GIRDLE, AUTOSOMAL DOMINANT 3; Limb-girdle muscular dystrophy, type 1G. Identifiers: Orphanet 55596, MedGen C1836765, MONDO:0012193, OMIM 609115.

Allele frequency attached by ClinVar (database versions not stated): TOPMed 0.00002; ESP Exome Variant Server 0.00008.

Submissions (4):

Women's Health and Genetics/Laboratory Corporation of America, LabCorp
Classification: Uncertain significance. Last evaluated: 2026-05-28. Review status: criteria provided, single submitter. Criteria: LabCorp Variant Classification Summary - May 2015. Collection method: clinical testing. Allele origin: germline.
Comment: Variant summary: HNRNPDL c.316C>T (p.Arg106Trp) results in a non-conservative amino acid change in the encoded protein sequence. Algorithms developed to predict the effect of missense changes on protein structure and function are either unavailable or do not agree on the potential impact of this missense change. The variant allele was found at a frequency of 3.2e-05 in 249360 control chromosomes. The available data on variant occurrences in the general population are insufficient to allow any conclusion about variant significance. To our knowledge, no occurrence of c.316C>T in individuals affected with HNRNPDL-related conditions and no experimental evidence demonstrating its impact on protein function have been reported. ClinVar contains an entry for this variant (Variation ID: 444635). Based on the evidence outlined above, the variant was classified as uncertain significance.

Labcorp Genetics (formerly Invitae), Labcorp
Classification: Uncertain significance for Autosomal dominant limb-girdle muscular dystrophy type 1G. Last evaluated: 2025-10-02. Review status: criteria provided, single submitter. Criteria: Invitae Variant Classification Sherloc (09022015). Collection method: clinical testing. Allele origin: germline.
Comment: This sequence change replaces arginine, which is basic and polar, with tryptophan, which is neutral and slightly polar, at codon 106 of the HNRNPDL protein (p.Arg106Trp). This variant is present in population databases (rs140163739, gnomAD 0.007%). This variant has not been reported in the literature in individuals affected with HNRNPDL-related conditions. ClinVar contains an entry for this variant (Variation ID: 444635). An algorithm developed to predict the effect of missense changes on protein structure and function (PolyPhen-2) suggests that this variant is likely to be tolerated. In summary, the available evidence is currently insufficient to determine the role of this variant in disease. Therefore, it has been classified as a Variant of Uncertain Significance.

Ambry Genetics
Classification: Uncertain significance. Last evaluated: 2025-05-07. Review status: criteria provided, single submitter. Criteria: Ambry Variant Classification Scheme 2023. Collection method: clinical testing. Allele origin: germline.

CeGaT Center for Human Genetics Tuebingen
Classification: Uncertain significance. Last evaluated: 2019-10-01. Review status: criteria provided, single submitter. Criteria: CeGaT Center For Human Genetics Tuebingen Variant Classification Criteria Version 2. Collection method: clinical testing. Allele origin: germline. Affected: yes. Observed: 2 variant alleles.

NM_031372.4(HNRNPDL):c.316C>T (p.Arg106Trp)

Gene: HNRNPDL (heterogeneous nuclear ribonucleoprotein D like; minus strand). Cytogenetic location: 4q21.22.
Variant type: single nucleotide variant.
Coding change: c.316C>T on transcript NM_031372.4 (MANE Select); coding-DNA position 316, C replaced by T.
Protein change: p.Arg106Trp; replaces arginine 106 with tryptophan.
Molecular consequence: missense variant. On other transcripts: non-coding transcript variant (1).
Genome position (GRCh38, 1-based): chr4:82,429,375, G>A on the plus strand (C>T on the coding strand, the complement: HNRNPDL is on the minus strand). VCF-style: chr4-82429375-G-A. GRCh37 (hg19) VCF-style: chr4-83350528-G-A.
Other names: c.316C>T (NM_031372.3); c.316C>T, p.Arg106Trp (NM_001207000.1); short protein forms R106W.
Identifiers: ClinVar variation 444635 (VCV000444635.49), dbSNP rs140163739, ClinGen allele CA2985055.
Genomic context (GRCh38, chr4:82,429,375, plus strand): 5'-ACTCGTTCATATCCTCCATAGTGACGGAGCTGTCGGCAGGGGGGTGCTGGCGCGCAGTCC[G>A]GGTCGCGGCAGCAGCGGCGGCGGAGCGTTGTATGGAGCTGGATTTAAAATGGCGGCGGAA-3'
Protein context (NP_112740.1, residues 96-116): QRSAAAAAAT[Arg106Trp]TARQHPPADS